The following is an entry in ClinVar:

ClinVar aggregate classification (germline): Uncertain significance. Review status: criteria provided, multiple submitters, no conflicts (2 of 4 stars). 2 submissions from 2 submitters: Uncertain significance (2). Last evaluated 2025-01-22.

Conditions:
Inborn genetic diseases. Identifiers: MedGen C0950123, MeSH D030342.
Congenital myasthenic syndrome 8. Also called: Myasthenic syndrome, congenital, 8, with pre- and postsynaptic defects; MYASTHENIC SYNDROME, CONGENITAL, DUE TO AGRIN DEFICIENCY. Identifiers: Orphanet 590, MedGen C3808739, MONDO:0014052, OMIM 615120.

Allele frequency attached by ClinVar (database versions not stated): ExAC 0.00001; TOPMed 0.00003; gnomAD 0.00004; gnomAD exomes 0.00012.
gnomAD v4.1: 180 of 1,612,782 alleles (0.011%); highest among the groups gnomAD compares: Non-Finnish European, 0.015%; no homozygotes.

Submissions (2):

Ambry Genetics
Classification: Uncertain significance for Inborn genetic diseases. Last evaluated: 2025-01-22. Review status: criteria provided, single submitter. Criteria: Ambry Variant Classification Scheme 2023. Collection method: clinical testing. Allele origin: germline.

Labcorp Genetics (formerly Invitae), Labcorp
Classification: Uncertain significance for Congenital myasthenic syndrome 8. Last evaluated: 2022-06-13. Review status: criteria provided, single submitter. Criteria: Invitae Variant Classification Sherloc (09022015). Collection method: clinical testing. Allele origin: germline.
Comment: This sequence change replaces lysine, which is basic and polar, with methionine, which is neutral and non-polar, at codon 1683 of the AGRN protein (p.Lys1683Met). This variant is present in population databases (no rsID available, gnomAD 0.007%). This variant has not been reported in the literature in individuals affected with AGRN-related conditions. Algorithms developed to predict the effect of missense changes on protein structure and function are either unavailable or do not agree on the potential impact of this missense change (SIFT: "Deleterious"; PolyPhen-2: "Probably Damaging"; Align-GVGD: "Class C0"). In summary, the available evidence is currently insufficient to determine the role of this variant in disease. Therefore, it has been classified as a Variant of Uncertain Significance.

NM_198576.4(AGRN):c.5048A>T (p.Lys1683Met)

Gene: AGRN (agrin; plus strand). Cytogenetic location: 1p36.33.
Variant type: single nucleotide variant.
Coding change: c.5048A>T on transcript NM_198576.4 (MANE Select); coding-DNA position 5048, A replaced by T.
Protein change: p.Lys1683Met; replaces lysine 1683 with methionine.
Molecular consequence: missense variant.
Genome position (GRCh38, 1-based): chr1:1,050,498, A>T. VCF-style: chr1-1050498-A-T. GRCh37 (hg19) VCF-style: chr1-985878-A-T.
Other names: c.5048A>T, p.Lys1683Met (NM_001305275.2); c.4733A>T, p.Lys1578Met (NM_001364727.2); c.5048A>T (NM_198576.3); short protein forms K1578M, K1683M.
Identifiers: ClinVar variation 2110477 (VCV002110477.2), dbSNP rs918396342, ClinGen allele CA509829.
Genomic context (GRCh38, chr1:1,050,498, plus strand): 5'-CGCTGGAGGTCGTGTTCCTGGCACGAGGCCCCAGCGGCCTCCTGCTCTACAACGGGCAGA[A>T]GACGGACGGCAAGGGGGACTTCGTGTCGCTGGCACTGCGGGACCGCCGCCTGGAGTTCCG-3'
Protein context (NP_940978.2, residues 1673-1693): PSGLLLYNGQ[Lys1683Met]TDGKGDFVSL